The following is an entry in ClinVar:

NM_001001331.4(ATP2B2):c.3073G>A (p.Gly1025Ser)

Gene: ATP2B2 (ATPase plasma membrane Ca2+ transporting 2; minus strand). Cytogenetic location: 3p25.3.
Variant type: single nucleotide variant.
Coding change: c.3073G>A on transcript NM_001001331.4 (MANE Select); coding-DNA position 3073, G replaced by A.
Protein change: p.Gly1025Ser; replaces glycine 1025 with serine.
Molecular consequence: missense variant.
Genome position (GRCh38, 1-based): chr3:10,340,549, C>T on the plus strand (G>A on the coding strand, the complement: ATP2B2 is on the minus strand). VCF-style: chr3-10340549-C-T. GRCh37 (hg19) VCF-style: chr3-10382233-C-T.
Other names: c.2938G>A, p.Gly980Ser (NM_001330611.3, NM_001353564.1, NM_001363862.1 and 1 more transcripts); c.2938G>A (NM_001683.3); short protein forms G1025S, G980S.
Identifiers: ClinVar variation 2183204 (VCV002183204.5), dbSNP rs758122334, ClinGen allele CA2253203.

ClinVar aggregate classification (germline): Uncertain significance. Review status: criteria provided, multiple submitters, no conflicts (2 of 4 stars). 2 submissions from 2 submitters: Uncertain significance (2). Last evaluated 2024-12-02.

Conditions:
ATP2B2-related disorder. Also called: ATP2B2-related condition.

Allele frequency attached by ClinVar (database versions not stated): gnomAD 0.00001; gnomAD exomes 0.00001; TOPMed 0.00001; ExAC 0.00002.
gnomAD v4.1: 19 of 1,614,072 alleles (0.0012%); highest among the groups gnomAD compares: Admixed American, 0.015%; no homozygotes.

Submissions (2):

PreventionGenetics, part of Exact Sciences
Classification: Uncertain significance for ATP2B2-related condition. Last evaluated: 2024-12-02. Review status: criteria provided, single submitter. Criteria: ACMG Guidelines, 2015. Collection method: clinical testing. Allele origin: germline.
Comment: The ATP2B2 c.2938G>A variant is predicted to result in the amino acid substitution p.Gly980Ser. To our knowledge, this variant has not been reported in the literature. This variant is reported in 0.020% of alleles in individuals of Latino descent in gnomAD. At this time, the clinical significance of this variant is uncertain due to the absence of conclusive functional and genetic evidence.

Labcorp Genetics (formerly Invitae), Labcorp
Classification: Uncertain significance. Last evaluated: 2022-04-01. Review status: criteria provided, single submitter. Criteria: Invitae Variant Classification Sherloc (09022015). Collection method: clinical testing. Allele origin: germline.
Comment: In summary, the available evidence is currently insufficient to determine the role of this variant in disease. Therefore, it has been classified as a Variant of Uncertain Significance. Advanced modeling of protein sequence and biophysical properties (such as structural, functional, and spatial information, amino acid conservation, physicochemical variation, residue mobility, and thermodynamic stability) performed at Invitae indicates that this missense variant is expected to disrupt ATP2B2 protein function. This variant has not been reported in the literature in individuals affected with ATP2B2-related conditions. This variant is present in population databases (rs758122334, gnomAD 0.02%). This sequence change replaces glycine, which is neutral and non-polar, with serine, which is neutral and polar, at codon 980 of the ATP2B2 protein (p.Gly980Ser).